The following is an entry in ClinVar:

ClinVar aggregate classification (germline): Uncertain significance (1 of 4 stars; one submission).

Conditions:
Multiple congenital anomalies-hypotonia-seizures syndrome 2 (MCAHS2). Also called: EPILEPTIC ENCEPHALOPATHY, EARLY INFANTILE, 20; GLYCOSYLPHOSPHATIDYLINOSITOL BIOSYNTHESIS DEFECT 4. Identifiers: Orphanet 300496, MedGen C3275508, MONDO:0010466, OMIM 300868.

Submission:

Labcorp Genetics (formerly Invitae), Labcorp
Classification: Uncertain significance for Multiple congenital anomalies-hypotonia-seizures syndrome 2. Last evaluated: 2022-05-05. Review status: criteria provided, single submitter. Criteria: Invitae Variant Classification Sherloc (09022015). Collection method: clinical testing. Allele origin: germline.
Comment: This sequence change replaces isoleucine, which is neutral and non-polar, with lysine, which is basic and polar, at codon 124 of the PIGA protein (p.Ile124Lys). This variant is not present in population databases (gnomAD no frequency). This variant has not been reported in the literature in individuals affected with PIGA-related conditions. Algorithms developed to predict the effect of missense changes on protein structure and function are either unavailable or do not agree on the potential impact of this missense change (SIFT: "Deleterious"; PolyPhen-2: "Probably Damaging"; Align-GVGD: "Class C0"). In summary, the available evidence is currently insufficient to determine the role of this variant in disease. Therefore, it has been classified as a Variant of Uncertain Significance.

NM_002641.4(PIGA):c.371T>A (p.Ile124Lys)

Gene: PIGA (phosphatidylinositol glycan anchor biosynthesis class A; minus strand). Cytogenetic location: Xp22.2.
Variant type: single nucleotide variant.
Coding change: c.371T>A on transcript NM_002641.4 (MANE Select); coding-DNA position 371, T replaced by A.
Protein change: p.Ile124Lys; replaces isoleucine 124 with lysine.
Molecular consequence: missense variant. On other transcripts: intron variant (1).
Genome position (GRCh38, 1-based): chrX:15,331,560, A>T on the plus strand (T>A on the coding strand, the complement: PIGA is on the minus strand). VCF-style: chrX-15331560-A-T. GRCh37 (hg19) VCF-style: chrX-15349682-A-T.
Other names: c.13+3941T>A (NM_020473.3); short protein forms I124K.
Identifiers: ClinVar variation 2110366 (VCV002110366.4), dbSNP rs2519331599, ClinGen allele CA412340311.
Genomic context (GRCh38, chrX:15,331,560, plus strand): 5'-GTCTTGGCGTGGAAGAGAGCATCATGGGCCATAGCAGAAAAAGAACTATGTGAATGGATT[A>T]TCGTGACTCTCTCCCGAACAAATATGTACCTGAGCAATGGCAGACTGTGAAAGAGGGTCG-3'
Protein context (NP_002632.1, residues 114-134): RYIFVRERVT[Ile124Lys]IHSHSSFSAM